The following is an entry in ClinVar:

NM_031372.4(HNRNPDL):c.149C>T (p.Ala50Val)

Gene: HNRNPDL (heterogeneous nuclear ribonucleoprotein D like; minus strand). Cytogenetic location: 4q21.22.
Variant type: single nucleotide variant.
Coding change: c.149C>T on transcript NM_031372.4 (MANE Select); coding-DNA position 149, C replaced by T.
Protein change: p.Ala50Val; replaces alanine 50 with valine.
Molecular consequence: missense variant. On other transcripts: non-coding transcript variant (1).
Genome position (GRCh38, 1-based): chr4:82,429,542, G>A on the plus strand (C>T on the coding strand, the complement: HNRNPDL is on the minus strand). VCF-style: chr4-82429542-G-A. GRCh37 (hg19) VCF-style: chr4-83350695-G-A.
Other names: c.149C>T, p.Ala50Val (NM_001207000.1); short protein forms A50V.
Identifiers: ClinVar variation 1470140 (VCV001470140.6), dbSNP rs1200103478, ClinGen allele CA357172964.

ClinVar aggregate classification (germline): Uncertain significance (1 of 4 stars; one submission).

Conditions:
Autosomal dominant limb-girdle muscular dystrophy type 1G (LGMDD3). Also called: Limb-girdle muscular dystrophy, type 1G; MUSCULAR DYSTROPHY, LIMB-GIRDLE, AUTOSOMAL DOMINANT 3. Identifiers: Orphanet 55596, MedGen C1836765, MONDO:0012193, OMIM 609115.

Submission:

Labcorp Genetics (formerly Invitae), Labcorp
Classification: Uncertain significance for Autosomal dominant limb-girdle muscular dystrophy type 1G. Last evaluated: 2022-01-12. Review status: criteria provided, single submitter. Criteria: Invitae Variant Classification Sherloc (09022015). Collection method: clinical testing. Allele origin: germline.
Comment: This sequence change replaces alanine, which is neutral and non-polar, with valine, which is neutral and non-polar, at codon 50 of the HNRNPDL protein (p.Ala50Val). The frequency data for this variant in the population databases is considered unreliable, as metrics indicate poor data quality at this position in the gnomAD database. This variant has not been reported in the literature in individuals affected with HNRNPDL-related conditions. Algorithms developed to predict the effect of missense changes on protein structure and function are either unavailable or do not agree on the potential impact of this missense change (SIFT: "Deleterious"; PolyPhen-2: "Possibly Damaging"; Align-GVGD: "Class C0"). In summary, the available evidence is currently insufficient to determine the role of this variant in disease. Therefore, it has been classified as a Variant of Uncertain Significance.